The following is an entry in ClinVar:

NM_001291415.2(KDM6A):c.2989-10A>G

Gene: KDM6A (lysine demethylase 6A; plus strand). Cytogenetic location: Xp11.3.
Variant type: single nucleotide variant.
Coding change: c.2989-10A>G on transcript NM_001291415.2 (MANE Select); 10 bases into the intron before coding-DNA position 2989, A replaced by G.
Molecular consequence: intron variant.
Genome position (GRCh38, 1-based): chrX:45,078,390, A>G. VCF-style: chrX-45078390-A-G. GRCh37 (hg19) VCF-style: chrX-44937635-A-G.
Other names: c.2989-10A>G (NM_001419809.1); c.2887-10A>G (NM_001419810.1, NM_001419813.1); c.2833-10A>G (NM_001419812.1, NM_021140.4); c.2731-10A>G (NM_001419814.1, NM_001410742.1); c.2854-10A>G (NM_001419811.1, NM_001291416.2); c.2698-10A>G (NM_001291417.2); c.2596-10A>G (NM_001419815.1, NM_001291418.2); c.1945-10A>G (NM_001291421.2).
Identifiers: ClinVar variation 3356661 (VCV003356661.1).
Genomic context (GRCh38, chrX:45,078,390, plus strand): 5'-AATTTGGAGCATAATATTTAAATAAAAGCTCTGTTTTCCTGAGATCTAACCACATATTTT[A>G]ATTTTACAGTTGGAAAATAAACGTGATGCTTTCTTTCCTCCATTACATCAATTTTGTACA-3'

ClinVar aggregate classification (germline): Likely benign (0 of 4 stars; one submission).

Conditions:
KDM6A-related disorder. Also called: KDM6A-related condition.

gnomAD v4.1: 6 of 1,199,356 alleles (0.0005%); highest among the groups gnomAD compares: Non-Finnish European, 0.00068%; no homozygotes.

Submission:

PreventionGenetics, part of Exact Sciences
Classification: Likely benign for KDM6A-related condition. Last evaluated: 2024-03-21. Review status: no assertion criteria provided. Collection method: clinical testing. Allele origin: germline.
Comment: This variant is classified as likely benign based on ACMG/AMP sequence variant interpretation guidelines (Richards et al. 2015 PMID: 25741868, with internal and published modifications).